The following is an entry in ClinVar:

ClinVar aggregate classification (germline): Uncertain significance (1 of 4 stars; one submission).

Allele frequency attached by ClinVar (database versions not stated): ExAC 0.00002; gnomAD 0.00005; TOPMed 0.00008.
gnomAD v4.1: 42 of 1,573,210 alleles (0.0027%); highest among the groups gnomAD compares: Admixed American, 0.0055%; no homozygotes.

Submission:

Labcorp Genetics (formerly Invitae), Labcorp
Classification: Uncertain significance. Last evaluated: 2022-07-06. Review status: criteria provided, single submitter. Criteria: Invitae Variant Classification Sherloc (09022015). Collection method: clinical testing. Allele origin: germline.
Comment: In summary, the available evidence is currently insufficient to determine the role of this variant in disease. Therefore, it has been classified as a Variant of Uncertain Significance. Algorithms developed to predict the effect of missense changes on protein structure and function output the following: SIFT: "Not Available"; PolyPhen-2: "Benign"; Align-GVGD: "Not Available". The alanine amino acid residue is found in multiple mammalian species, which suggests that this missense change does not adversely affect protein function. This variant has not been reported in the literature in individuals affected with TOP3A-related conditions. This variant is present in population databases (rs759758444, gnomAD 0.007%). This sequence change replaces glycine, which is neutral and non-polar, with alanine, which is neutral and non-polar, at codon 755 of the TOP3A protein (p.Gly755Ala).

NM_004618.5(TOP3A):c.2264G>C (p.Gly755Ala)

Gene: TOP3A (DNA topoisomerase III alpha; minus strand). Cytogenetic location: 17p11.2.
Variant type: single nucleotide variant.
Coding change: c.2264G>C on transcript NM_004618.5 (MANE Select); coding-DNA position 2264, G replaced by C.
Protein change: p.Gly755Ala; replaces glycine 755 with alanine.
Molecular consequence: missense variant.
Genome position (GRCh38, 1-based): chr17:18,278,238, C>G on the plus strand (G>C on the coding strand, the complement: TOP3A is on the minus strand). VCF-style: chr17-18278238-C-G. GRCh37 (hg19) VCF-style: chr17-18181552-C-G.
Other names: c.1979G>C, p.Gly660Ala (NM_001320759.2); short protein forms G755A, G660A.
Identifiers: ClinVar variation 2161353 (VCV002161353.4), dbSNP rs759758444, ClinGen allele CA8429638.